The following is an entry in ClinVar:

NM_020944.3(GBA2):c.1495G>A (p.Glu499Lys)

Gene: GBA2 (glucosylceramidase beta 2; minus strand). Cytogenetic location: 9p13.3.
Variant type: single nucleotide variant.
Coding change: c.1495G>A on transcript NM_020944.3 (MANE Select); coding-DNA position 1495, G replaced by A.
Protein change: p.Glu499Lys; replaces glutamic acid 499 with lysine.
Molecular consequence: missense variant.
Genome position (GRCh38, 1-based): chr9:35,739,715, C>T on the plus strand (G>A on the coding strand, the complement: GBA2 is on the minus strand). VCF-style: chr9-35739715-C-T. GRCh37 (hg19) VCF-style: chr9-35739712-C-T.
Other names: p.Glu499Lys; c.1495G>A, p.Glu499Lys (NM_001330660.2); short protein forms E499K.
Identifiers: ClinVar variation 437457 (VCV000437457.49), dbSNP rs35818148, ClinGen allele CA5050392.

ClinVar aggregate classification (germline): Uncertain significance. Review status: criteria provided, multiple submitters, no conflicts (2 of 4 stars). 6 submissions from 6 submitters: Uncertain significance (6). Last evaluated 2025-04-21.

Conditions:
Spastic paraplegia. Identifiers: MedGen C0037772, HP:0001258.
Hereditary spastic paraplegia 5A (SPG5A). Also called: SPASTIC PARAPLEGIA 5A, AUTOSOMAL RECESSIVE. Identifiers: Orphanet 100986, MedGen C1849115, MONDO:0010047, OMIM 270800.

Allele frequency attached by ClinVar (database versions not stated): gnomAD exomes 0.00009 and 0.00012; TOPMed 0.00009; gnomAD 0.00013; ExAC 0.00015; ESP Exome Variant Server 0.00023.
gnomAD v4.1: 155 of 1,613,808 alleles (0.0096%); highest among the groups gnomAD compares: Non-Finnish European, 0.011%; no homozygotes.

Submissions (6):

Mayo Clinic Laboratories, Mayo Clinic
Classification: Uncertain significance. Last evaluated: 2025-04-21. Review status: criteria provided, single submitter. Criteria: ACMG Guidelines, 2015. Collection method: clinical testing. Allele origin: germline. Observed: 1 variant allele.
Comment: BP4_moderate, PM2_supporting, PM3_supporting

Blueprint Genetics
Classification: Uncertain significance. Last evaluated: 2024-11-27. Review status: criteria provided, single submitter. Criteria: ACMG Guidelines, 2015. Collection method: clinical testing. Allele origin: germline.

Labcorp Genetics (formerly Invitae), Labcorp
Classification: Uncertain significance for Spastic paraplegia. Last evaluated: 2024-11-27. Review status: criteria provided, single submitter. Criteria: Invitae Variant Classification Sherloc (09022015). Collection method: clinical testing. Allele origin: germline.
Comment: This sequence change replaces glutamic acid, which is acidic and polar, with lysine, which is basic and polar, at codon 499 of the GBA2 protein (p.Glu499Lys). This variant is present in population databases (rs35818148, gnomAD 0.03%). This missense change has been observed in individual(s) with dystonia, hypertonia, arachnoid cyst, and global developmental delay (PMID: 29453417). ClinVar contains an entry for this variant (Variation ID: 437457). An algorithm developed to predict the effect of missense changes on protein structure and function (PolyPhen-2) suggests that this variant¬†is likely to be tolerated. In summary, the available evidence is currently insufficient to determine the role of this variant in disease. Therefore, it has been classified as a Variant of Uncertain Significance.

CeGaT Center for Human Genetics Tuebingen
Classification: Uncertain significance. Last evaluated: 2021-01-01. Review status: criteria provided, single submitter. Criteria: CeGaT Center For Human Genetics Tuebingen Variant Classification Criteria Version 2. Collection method: clinical testing. Allele origin: germline. Affected: yes. Observed: 1 variant allele.

Genomic Research Center, Shahid Beheshti University of Medical Sciences
Classification: Uncertain significance for Spastic paraplegia 5A. Last evaluated: 2017-06-18. Review status: criteria provided, single submitter. Criteria: ACMG Guidelines, 2015. Collection method: clinical testing. Allele origin: inherited. Affected: yes. Observed: 1 variant allele.

Breakthrough Genomics
Classification: Uncertain significance. Review status: criteria provided, single submitter. Criteria: ACMG Guidelines, 2015. Collection method: not provided. Allele origin: germline. Inheritance: Autosomal recessive inheritance. Affected: yes.

Literature cited by the submitters: PubMed 29453417 (cited by Mayo Clinic Laboratories, Mayo Clinic and Labcorp Genetics (formerly Invitae), Labcorp); PubMed 34426522 (cited by Mayo Clinic Laboratories, Mayo Clinic).